The following is an entry in ClinVar:

ClinVar aggregate classification (germline): Uncertain significance (1 of 4 stars; one submission).

Submission:

GeneDx
Classification: Uncertain significance. Last evaluated: 2021-06-28. Review status: criteria provided, single submitter. Criteria: GeneDx Variant Classification Process June 2021. Collection method: clinical testing. Allele origin: germline. Affected: yes.
Comment: Not observed at significant frequency in large population cohorts (Lek et al., 2016); In silico analysis supports that this variant does not alter protein structure/function; Has not been previously published as pathogenic or benign to our knowledge; This variant is associated with the following publications: (PMID: 27535533)

NM_000444.6(PHEX):c.64_65delinsTT (p.Ala22Phe)

Gene: PHEX (phosphate regulating endopeptidase X-linked; plus strand). Cytogenetic location: Xp22.11.
Variant type: Indel.
Coding change: c.64_65delinsTT on transcript NM_000444.6 (MANE Select); coding-DNA positions 64 to 65, GC replaced by TT.
Protein change: p.Ala22Phe; replaces alanine 22 with phenylalanine.
Molecular consequence: missense variant.
Genome position (GRCh38, 1-based): chrX:22,033,069-22,033,070, GC replaced by TT. VCF-style: chrX-22033069-GC-TT. GRCh37 (hg19) VCF-style: chrX-22051187-GC-TT.
Other names: c.64_65delinsTT, p.Ala22Phe (NM_001282754.2); short protein forms A22F.
Identifiers: ClinVar variation 1331209 (VCV001331209.2), dbSNP rs2146974307, ClinGen allele CA2573055220.
Genomic context (GRCh38, chrX:22,033,069, plus strand): 5'-GAAGCAGAAACAGGGAGCAGCGTGGAGACTGGAAAGAAGGCCAACAGAGGCACTCGAATT[GC>TT]CCTGGTCGTGTTTGTCGGTGGCACCCTAGTTCTGGGCACGATCCTCTTTCTAGGTAAGTG-3'
Protein context (NP_000435.3, residues 12-32): GKKANRGTRI[Ala22Phe]LVVFVGGTLV